The following is an entry in ClinVar:

NM_002292.4(LAMB2):c.736C>T (p.Arg246Trp)

Gene: LAMB2 (laminin subunit beta 2; minus strand). Cytogenetic location: 3p21.31.
Variant type: single nucleotide variant.
Coding change: c.736C>T on transcript NM_002292.4 (MANE Select); coding-DNA position 736, C replaced by T.
Protein change: p.Arg246Trp; replaces arginine 246 with tryptophan.
Molecular consequence: missense variant.
Genome position (GRCh38, 1-based): chr3:49,131,129, G>A on the plus strand (C>T on the coding strand, the complement: LAMB2 is on the minus strand). VCF-style: chr3-49131129-G-A. GRCh37 (hg19) VCF-style: chr3-49168562-G-A.
Other names: short protein forms R246W.
Identifiers: ClinVar variation 14530 (VCV000014530.10), dbSNP rs121912488, ClinGen allele CA124107.

ClinVar aggregate classification (germline): Pathogenic/Likely pathogenic. Review status: criteria provided, multiple submitters, no conflicts (2 of 4 stars). 5 submissions from 5 submitters: Pathogenic (1); Likely pathogenic (2). 2 of the submissions do not count toward it. Last evaluated 2025-05-02.

Conditions:
Pierson syndrome. Also called: MICROCORIA-CONGENITAL NEPHROTIC SYNDROME. Identifiers: Orphanet 2670, MedGen C1836876, MONDO:0012184, OMIM 609049.
LAMB2-related infantile-onset nephrotic syndrome. Also called: NEPHROTIC SYNDROME, TYPE 5, WITHOUT OCULAR ABNORMALITIES; NEPHROTIC SYNDROME, TYPE 5, WITH OCULAR ABNORMALITIES; Nephrotic Syndrome, type 5. Identifiers: Orphanet 306507, MedGen C3280113, MONDO:0013621, OMIM 614199.
Nephrotic syndrome. Identifiers: MedGen C0027726, MONDO:0005377, HP:0000100.

Allele frequency attached by ClinVar (database versions not stated): gnomAD exomes below 0.00001 and 0.00001; TOPMed below 0.00001; ExAC 0.00001; gnomAD 0.00001.
gnomAD v4.1: 8 of 1,613,262 alleles (0.0005%); highest among the groups gnomAD compares: Admixed American, 0.0017%; no homozygotes.

Submissions (5):

Labcorp Genetics (formerly Invitae), Labcorp
Classification: Pathogenic for LAMB2-related infantile-onset nephrotic syndrome; Pierson syndrome. Last evaluated: 2025-05-02. Review status: criteria provided, single submitter. Criteria: Invitae Variant Classification Sherloc (09022015). Collection method: clinical testing. Allele origin: germline.
Comment: This sequence change replaces arginine, which is basic and polar, with tryptophan, which is neutral and slightly polar, at codon 246 of the LAMB2 protein (p.Arg246Trp). This variant is present in population databases (rs121912488, gnomAD 0.003%). This missense change has been observed in individuals with nephrotic syndrome (PMID: 15367484, 18672223, 29127259, 30295827). ClinVar contains an entry for this variant (Variation ID: 14530). An algorithm developed to predict the effect of missense changes on protein structure and function (PolyPhen-2) suggests that this variant is likely to be disruptive. Studies have shown that this missense change alters LAMB2 gene expression (PMID: 15367484). For these reasons, this variant has been classified as Pathogenic.

Fulgent Genetics
Classification: Likely pathogenic for Pierson syndrome; LAMB2-related infantile-onset nephrotic syndrome. Last evaluated: 2022-04-15. Review status: criteria provided, single submitter. Criteria: ACMG Guidelines, 2015. Collection method: clinical testing. Allele origin: unknown.

Baylor Genetics
Classification: Likely pathogenic for LAMB2-related infantile-onset nephrotic syndrome. Last evaluated: 2018-12-18. Review status: criteria provided, single submitter. Criteria: ACMG Guidelines, 2015. Collection method: clinical testing. Allele origin: paternal. Affected: yes.
Comment: This variant was determined to be likely pathogenic according to ACMG Guidelines, 2015 [PMID:25741868].

Yale Center for Mendelian Genomics, Yale University
Classification: Likely pathogenic for Nephrotic syndrome. Last evaluated: 2017-11-10. Review status: no assertion criteria provided. Collection method: literature only. Allele origin: germline. Affected: yes. Observed: 1 homozygote. Study: Yale Center for Mendelian Genomics. Not counted in ClinVar's aggregate classification.

OMIM
Classification: Pathogenic for PIERSON SYNDROME. Last evaluated: 2004-11-01. Review status: no assertion criteria provided. Collection method: literature only. Allele origin: germline. Not counted in ClinVar's aggregate classification.

Literature cited by the submitters: PubMed 15367484 (cited by Labcorp Genetics (formerly Invitae), Labcorp and OMIM); PubMed 18672223 (cited by Labcorp Genetics (formerly Invitae), Labcorp); PubMed 29127259 (cited by Labcorp Genetics (formerly Invitae), Labcorp and Yale Center for Mendelian Genomics, Yale University); PubMed 30295827 (cited by Labcorp Genetics (formerly Invitae), Labcorp); PubMed 2206901 (cited by OMIM).